The following is an entry in ClinVar:

ClinVar aggregate classification (germline): Uncertain significance. Review status: criteria provided, multiple submitters, no conflicts (2 of 4 stars). 2 submissions from 2 submitters: Uncertain significance (2). Last evaluated 2025-01-13.

Allele frequency attached by ClinVar (database versions not stated): gnomAD exomes 0.00001.
gnomAD v4.1: 11 of 1,210,820 alleles (0.00091%); highest among the groups gnomAD compares: South Asian, 0.007%; no homozygotes.

Submissions (2):

GeneDx
Classification: Uncertain significance. Last evaluated: 2025-01-13. Review status: criteria provided, single submitter. Criteria: GeneDx Variant Classification Process June 2021. Collection method: clinical testing. Allele origin: germline. Affected: yes.
Comment: Not observed at significant frequency in large population cohorts (gnomAD); In silico analysis supports that this missense variant has a deleterious effect on protein structure/function; Has not been previously published as pathogenic or benign to our knowledge; This variant is associated with the following publications: (PMID: 18409179)

Revvity Omics, Revvity
Classification: Uncertain significance. Last evaluated: 2019-07-22. Review status: criteria provided, single submitter. Criteria: ACMG Guidelines, 2015. Collection method: clinical testing. Allele origin: germline.

NM_000489.6(ATRX):c.773A>G (p.Asp258Gly)

Gene: ATRX (ATRX chromatin remodeler; minus strand). Cytogenetic location: Xq21.1.
Variant type: single nucleotide variant.
Coding change: c.773A>G on transcript NM_000489.6 (MANE Select); coding-DNA position 773, A replaced by G.
Protein change: p.Asp258Gly; replaces aspartic acid 258 with glycine.
Molecular consequence: missense variant.
Genome position (GRCh38, 1-based): chrX:77,684,483, T>C on the plus strand (A>G on the coding strand, the complement: ATRX is on the minus strand). VCF-style: chrX-77684483-T-C. GRCh37 (hg19) VCF-style: chrX-76939975-T-C.
Other names: c.659A>G, p.Asp220Gly (NM_138270.5); short protein forms D220G, D258G.
Identifiers: ClinVar variation 2439414 (VCV002439414.4), dbSNP rs2148638244, ClinGen allele CA413720695.
Genomic context (GRCh38, chrX:77,684,483, plus strand): 5'-GTGACCAAGTCCAACAAAGGCTCTGGGTGACAAATGTAGCAATACCATTGGTTGTTTTCA[T>C]CCATTATTGTGGACAACTCCTTTCGACCAAGGTTGCGTAGAATGCATTTCTTGCAGAAAG-3'
Protein context (NP_000480.3, residues 248-268): LGRKELSTIM[Asp258Gly]ENNQWYCYIC